The following is an entry in ClinVar:

ClinVar aggregate classification (germline): Conflicting classifications of pathogenicity. Review status: criteria provided, conflicting classifications (1 of 4 stars). 2 submissions from 2 submitters: Uncertain significance (1); Likely benign (1). Last evaluated 2025-05-21.

Conditions:
Cardiovascular phenotype. Identifiers: MedGen CN230736.

Allele frequency attached by ClinVar (database versions not stated): 1000 Genomes Project 0.00040; TOPMed 0.00006; gnomAD exomes 0.00001; gnomAD 0.00003; 1000 Genomes Project 30x 0.00031.
gnomAD v4.1: 19 of 1,549,116 alleles (0.0012%); highest among the groups gnomAD compares: East Asian, 0.046%; no homozygotes.

Submissions (2):

Ambry Genetics
Classification: Likely benign for Cardiovascular phenotype. Last evaluated: 2025-05-21. Review status: criteria provided, single submitter. Criteria: Ambry Variant Classification Scheme 2023. Collection method: clinical testing. Allele origin: germline.

Labcorp Genetics (formerly Invitae), Labcorp
Classification: Uncertain significance. Last evaluated: 2022-05-29. Review status: criteria provided, single submitter. Criteria: Invitae Variant Classification Sherloc (09022015). Collection method: clinical testing. Allele origin: germline.
Comment: This sequence change replaces serine, which is neutral and polar, with phenylalanine, which is neutral and non-polar, at codon 2646 of the ZNF469 protein (p.Ser2646Phe). This variant is present in population databases (rs539516112, gnomAD 0.08%). This variant has not been reported in the literature in individuals affected with ZNF469-related conditions. Algorithms developed to predict the effect of missense changes on protein structure and function are either unavailable or do not agree on the potential impact of this missense change (SIFT: "Deleterious"; PolyPhen-2: "Benign"; Align-GVGD: "Class C0"). In summary, the available evidence is currently insufficient to determine the role of this variant in disease. Therefore, it has been classified as a Variant of Uncertain Significance.

NM_001367624.2(ZNF469):c.8021C>T (p.Ser2674Phe)

Gene: ZNF469 (zinc finger protein 469; plus strand). Cytogenetic location: 16q24.2.
Variant type: single nucleotide variant.
Coding change: c.8021C>T on transcript NM_001367624.2 (MANE Select); coding-DNA position 8021, C replaced by T.
Protein change: p.Ser2674Phe; replaces serine 2674 with phenylalanine.
Molecular consequence: missense variant.
Genome position (GRCh38, 1-based): chr16:88,435,491, C>T. VCF-style: chr16-88435491-C-T. GRCh37 (hg19) VCF-style: chr16-88501899-C-T.
Other names: NM_001127464.1:c.7937C>T; short protein forms S2674F.
Identifiers: ClinVar variation 1761300 (VCV001761300.6), dbSNP rs539516112, ClinGen allele CA8225302.